The following is an entry in ClinVar:

ClinVar aggregate classification (germline): Likely benign (1 of 4 stars; one submission).

Submission:

CeGaT Center for Human Genetics Tuebingen
Classification: Likely benign. Last evaluated: 2022-08-01. Review status: criteria provided, single submitter. Criteria: CeGaT Center For Human Genetics Tuebingen Variant Classification Criteria Version 2. Collection method: clinical testing. Allele origin: germline. Affected: yes. Observed: 1 variant allele.
Comment: TP63: PM2:Supporting, BP4, BP7

NM_003722.5(TP63):c.1296T>C (p.Ile432=)

Gene: TP63 (tumor protein p63; plus strand). Cytogenetic location: 3q28.
Variant type: single nucleotide variant.
Coding change: c.1296T>C on transcript NM_003722.5 (MANE Select); coding-DNA position 1296, T replaced by C.
Protein change: p.Ile432=; no amino-acid change (isoleucine 432 retained).
Molecular consequence: synonymous variant.
Genome position (GRCh38, 1-based): chr3:189,872,942, T>C. VCF-style: chr3-189872942-T-C. GRCh37 (hg19) VCF-style: chr3-189590731-T-C.
Other names: c.1296T>C, p.Ile432= (NM_001114978.2, NM_001114979.2, NM_001329144.2); c.1014T>C, p.Ile338= (NM_001114980.2, NM_001114981.2, NM_001114982.2 and 1 more transcripts); c.759T>C, p.Ile253= (NM_001329146.2); c.1284T>C, p.Ile428= (NM_001329148.2); c.1002T>C, p.Ile334= (NM_001329149.2); c.747T>C, p.Ile249= (NM_001329150.2); c.1290T>C, p.Ile430= (NM_001329964.2).
Identifiers: ClinVar variation 2654353 (VCV002654353.24), dbSNP rs2474635341, ClinGen allele CA437415782.